The following is an entry in ClinVar:

NM_001387274.1(DCDC1):c.961-10dup

Gene: DCDC1 (doublecortin domain containing 1; minus strand). Cytogenetic location: 11p13.
Variant type: Duplication.
Coding change: c.961-10dup on transcript NM_001387274.1 (MANE Select); 10 bases into the intron before coding-DNA position 961, one base duplicated (T; older notation c.961-10dupT).
Molecular consequence: intron variant.
Genome position (GRCh38, 1-based): chr11:31,265,610, A duplicated on the plus strand (T on the coding strand, the reverse complement: DCDC1 is on the minus strand); the first of 9 consecutive A bases (chr11:31,265,610-31,265,618); duplicating any one gives the same sequence. VCF-style (leftmost placement, unchanged base first): chr11-31265609-G-GA. GRCh37 (hg19) VCF-style: chr11-31287156-G-GA.
Other names: c.961-10dup (NM_181807.4, NM_001367979.1).
Identifiers: ClinVar variation 3040257 (VCV003040257.2), dbSNP rs746774392, ClinGen allele CA5932472.

ClinVar aggregate classification (germline): Likely benign (0 of 4 stars; one submission).

Conditions:
DCDC1-related disorder. Also called: DCDC1-related condition.

Submission:

PreventionGenetics, part of Exact Sciences
Classification: Likely benign for DCDC1-related condition. Last evaluated: 2019-10-28. Review status: no assertion criteria provided. Collection method: clinical testing. Allele origin: germline.
Comment: This variant is classified as likely benign based on ACMG/AMP sequence variant interpretation guidelines (Richards et al. 2015 PMID: 25741868, with internal and published modifications).